The following is an entry in ClinVar:

NC_000001.10:g.(?_120254556)_(120286839_?)dup

Gene: PHGDH (phosphoglycerate dehydrogenase; plus strand). Cytogenetic location: 1p12.
Variant type: Duplication.
Identifiers: ClinVar variation 3339449 (VCV003339449.1).

ClinVar aggregate classification (germline): Uncertain significance (1 of 4 stars; one submission).

Submission:

Women's Health and Genetics/Laboratory Corporation of America, LabCorp
Classification: Uncertain significance. Last evaluated: 2024-07-18. Review status: criteria provided, single submitter. Criteria: LabCorp Variant Classification Summary - May 2015. Collection method: clinical testing. Allele origin: germline.
Comment: Variant summary: The variant involves the duplication of exons 1-12 in the PHGDH gene. A presumed nomenclature of c.(?_-90)_(*176_?)dup has been designated for the purposes of this classification. This duplication includes the entire coding sequence of the gene. As exact breakpoints are unknown, it may extend beyond the annotated region of the gene, to include other flanking genes. A large duplication which includes the PHGDH gene together with other genes (size: ~550kbp) is found at a frequency of 1.7e-05 in 120778 control chromosomes in the gnomAD database (Structural Variants v4.1 dataset). In addition, other large duplications which include the PHGDH gene together with other genes, are also found in a few carriers. The available data on variant occurrences in the general population are insufficient to allow any conclusion about variant significance. To our knowledge, no occurrence of c.(?_-90)_(*176_?)dup in individuals affected with Phosphoglycerate Dehydrogenase Deficiency and no experimental evidence demonstrating its impact on protein function have been reported. No submitters have cited clinical-significance assessments for this variant to ClinVar. Based on the evidence outlined above, the variant was classified as uncertain significance.